The following is an entry in ClinVar:

ClinVar aggregate classification (germline): Uncertain significance (1 of 4 stars; one submission).

Conditions:
Hypercholesterolemia, autosomal dominant, 3 (FHCL3). Also called: Familial Hypercholesterolemia, Autosomal Dominant, 3; PCSK9-Related Familial Hypercholesterolemia, Autosomal Dominant; Familial hypercholesterolemia 3. Identifiers: MedGen C1863551, MONDO:0011369, OMIM 603776.

Submission:

All of Us Research Program, National Institutes of Health
Classification: Uncertain significance for Hypercholesterolemia, autosomal dominant, 3. Last evaluated: 2024-05-14. Review status: criteria provided, single submitter. Criteria: ACMG Guidelines, 2015. Collection method: clinical testing. Allele origin: germline. Inheritance: Autosomal dominant inheritance. Observed: 1 variant allele, 1 heterozygote.
Comment: This missense variant replaces leucine with histidine at codon 253 of the PCSK9 protein. Computational prediction tools indicate that this variant has a deleterious impact on protein structure and function. To our knowledge, functional studies have not been reported for this variant. This variant has not been reported in individuals affected with PCSK9-related disorders in the literature. This variant has not been identified in the general population by the Genome Aggregation Database (gnomAD). The available evidence is insufficient to determine the role of this variant in disease conclusively. Therefore, this variant is classified as a Variant of Uncertain Significance.

This study involves interpretation of variants in research participants for the purpose of population health screening. Participant phenotype was not available at the time of variant classification. Additional details can be found in publication PMID: 35346344, PMCID: PMC8962531

NM_174936.4(PCSK9):c.758T>A (p.Leu253His)

Gene: PCSK9 (proprotein convertase subtilisin/kexin type 9; plus strand). Cytogenetic location: 1p32.3.
Variant type: single nucleotide variant.
Coding change: c.758T>A on transcript NM_174936.4 (MANE Select); coding-DNA position 758, T replaced by A.
Protein change: p.Leu253His; replaces leucine 253 with histidine.
Molecular consequence: missense variant. On other transcripts: non-coding transcript variant (8).
Genome position (GRCh38, 1-based): chr1:55,052,750, T>A. VCF-style: chr1-55052750-T-A. GRCh37 (hg19) VCF-style: chr1-55518423-T-A.
Other names: c.881T>A, p.Leu294His (NM_001407240.1); c.758T>A, p.Leu253His (NM_001407241.1, NM_001407244.1, NM_001407247.1); c.761T>A, p.Leu254His (NM_001407242.1); c.701T>A, p.Leu234His (NM_001407243.1); c.566T>A, p.Leu189His (NM_001407245.1); c.383T>A, p.Leu128His (NM_001407246.1); short protein forms L128H, L189H, L234H, L253H, L254H, L294H.
Identifiers: ClinVar variation 3387430 (VCV003387430.1).